The following is an entry in ClinVar:

ClinVar aggregate classification (germline): Uncertain significance. Review status: criteria provided, multiple submitters, no conflicts (2 of 4 stars). 4 submissions from 4 submitters: Uncertain significance (3). 1 of the submissions does not count toward it. Last evaluated 2025-11-19.

Conditions:
SAMD9-related disorder. Also called: SAMD9-related condition.

Allele frequency attached by ClinVar (database versions not stated): TOPMed 0.00004; gnomAD 0.00005 and 0.00004; gnomAD exomes 0.00008 and 0.00012; 1000 Genomes Project 30x 0.00016; 1000 Genomes Project 0.00020; ExAC 0.00017.
gnomAD v4.1: 135 of 1,613,978 alleles (0.0084%); highest among the groups gnomAD compares: East Asian, 0.02%; 1 homozygote.

Submissions (4):

Labcorp Genetics (formerly Invitae), Labcorp
Classification: Uncertain significance. Last evaluated: 2025-11-19. Review status: criteria provided, single submitter. Criteria: Invitae Variant Classification Sherloc (09022015). Collection method: clinical testing. Allele origin: germline.
Comment: This sequence change replaces arginine, which is basic and polar, with histidine, which is basic and polar, at codon 230 of the SAMD9 protein (p.Arg230His). This variant is present in population databases (rs201086023, gnomAD 0.02%). This missense change has been observed in individual(s) with clinical features of SAMD9-related conditions (PMID: 32594144). ClinVar contains an entry for this variant (Variation ID: 1045572). Invitae Evidence Modeling of protein sequence and biophysical properties (such as structural, functional, and spatial information, amino acid conservation, physicochemical variation, residue mobility, and thermodynamic stability) has been performed for this missense variant. However, the output from this modeling did not meet the statistical confidence thresholds required to predict the impact of this variant on SAMD9 protein function. In summary, the available evidence is currently insufficient to determine the role of this variant in disease. Therefore, it has been classified as a Variant of Uncertain Significance.

GeneDx
Classification: Uncertain significance. Last evaluated: 2024-11-18. Review status: criteria provided, single submitter. Criteria: GeneDx Variant Classification Process June 2021. Collection method: clinical testing. Allele origin: germline. Affected: yes.
Comment: In silico analysis supports that this missense variant has a deleterious effect on protein structure/function; Has not been previously published as pathogenic or benign to our knowledge; This variant is associated with the following publications: (PMID: 28545555, 36353546)

Blueprint Genetics
Classification: Uncertain significance. Last evaluated: 2022-02-28. Review status: criteria provided, single submitter. Criteria: ACMG Guidelines, 2015. Collection method: clinical testing. Allele origin: germline.

PreventionGenetics, part of Exact Sciences
Classification: Uncertain significance for SAMD9-related condition. Last evaluated: 2023-12-28. Review status: no assertion criteria provided. Collection method: clinical testing. Allele origin: germline. Not counted in ClinVar's aggregate classification.
Comment: The SAMD9 c.689G>A variant is predicted to result in the amino acid substitution p.Arg230His. This variant was detected in a lymph node sample from a patient with angioimmunoblastic T-cell lymphoma (Zhang et al. 2022. PubMed ID: 36353546). It was also reported in a patient with Down syndrome who presented with tumoural soft tissue calcification (Deigendesch et al. 2020. PubMed ID: 32594144). This variant is reported in 0.027% of alleles in individuals of East Asian descent in gnomAD and is interpreted as uncertain in ClinVar. At this time, the clinical significance of this variant is uncertain due to the absence of conclusive functional and genetic evidence.

Literature cited by the submitters: PubMed 32594144 (cited by Labcorp Genetics (formerly Invitae), Labcorp).

NM_017654.4(SAMD9):c.689G>A (p.Arg230His)

Gene: SAMD9 (sterile alpha motif domain containing 9; minus strand). Cytogenetic location: 7q21.2.
Variant type: single nucleotide variant.
Coding change: c.689G>A on transcript NM_017654.4 (MANE Select); coding-DNA position 689, G replaced by A.
Protein change: p.Arg230His; replaces arginine 230 with histidine.
Molecular consequence: missense variant.
Genome position (GRCh38, 1-based): chr7:93,105,409, C>T on the plus strand (G>A on the coding strand, the complement: SAMD9 is on the minus strand). VCF-style: chr7-93105409-C-T. GRCh37 (hg19) VCF-style: chr7-92734722-C-T.
Other names: c.689G>A, p.Arg230His (NM_001193307.2); short protein forms R230H.
Identifiers: ClinVar variation 1045572 (VCV001045572.14), dbSNP rs201086023, ClinGen allele CA4343090.